The following is an entry in ClinVar:

NM_000046.5(ARSB):c.797A>G (p.Tyr266Cys)

Gene: ARSB (arylsulfatase B; minus strand). Cytogenetic location: 5q14.1.
Variant type: single nucleotide variant.
Coding change: c.797A>G on transcript NM_000046.5 (MANE Select); coding-DNA position 797, A replaced by G.
Protein change: p.Tyr266Cys; replaces tyrosine 266 with cysteine.
Molecular consequence: missense variant.
Genome position (GRCh38, 1-based): chr5:78,955,396, T>C on the plus strand (A>G on the coding strand, the complement: ARSB is on the minus strand). VCF-style: chr5-78955396-T-C. GRCh37 (hg19) VCF-style: chr5-78251219-T-C.
Other names: c.797A>G, p.Tyr266Cys (NM_198709.3); short protein forms Y266C.
Identifiers: ClinVar variation 2181804 (VCV002181804.4), dbSNP rs1554086402, ClinGen allele CA360192108.
Genomic context (GRCh38, chr5:78,955,396, plus strand): 5'-CTTTTTAAAGCTGCAGTGACATTTCCTACTGCTTCATCCATAAGGGACACCATTCCTGCA[T>C]AGTGATGCCTGTTCTTGTCTTGGATAAAGTCATATGGCTTCAAGTATTCCTCAGGGACCT-3'
Protein context (NP_000037.2, residues 256-276): DFIQDKNRHH[Tyr266Cys]AGMVSLMDEA

ClinVar aggregate classification (germline): Likely pathogenic (1 of 4 stars; one submission).

Conditions:
Mucopolysaccharidosis type 6 (MPS6). Also called: MPS 6; Maroteaux Lamy syndrome; MPS VI; ARSB DEFICIENCY; ARYLSULFATASE B DEFICIENCY; N-ACETYLGALACTOSAMINE-4-SULFATASE DEFICIENCY. Identifiers: Orphanet 583, MedGen C0026709, MONDO:0009661, OMIM 253200.

gnomAD v4.1: 6 of 1,614,214 alleles (0.00037%); highest among the groups gnomAD compares: African/African-American, 0.0013%; no homozygotes.

Submission:

Labcorp Genetics (formerly Invitae), Labcorp
Classification: Likely pathogenic for Mucopolysaccharidosis type 6. Last evaluated: 2025-07-08. Review status: criteria provided, single submitter. Criteria: Invitae Variant Classification Sherloc (09022015). Collection method: clinical testing. Allele origin: germline.
Comment: This sequence change replaces tyrosine, which is neutral and polar, with cysteine, which is neutral and slightly polar, at codon 266 of the ARSB protein (p.Tyr266Cys). This variant is not present in population databases (gnomAD no frequency). This variant has not been reported in the literature in individuals affected with ARSB-related conditions. ClinVar contains an entry for this variant (Variation ID: 2181804). Invitae Evidence Modeling of protein sequence and biophysical properties (such as structural, functional, and spatial information, amino acid conservation, physicochemical variation, residue mobility, and thermodynamic stability) indicates that this missense variant is expected to disrupt ARSB protein function with a positive predictive value of 95%. This variant disrupts the p.Tyr266 amino acid residue in ARSB. Other variant(s) that disrupt this residue have been determined to be pathogenic (PMID: 17458871, 22133300). This suggests that this residue is clinically significant, and that variants that disrupt this residue are likely to be disease-causing. In summary, the currently available evidence indicates that the variant is pathogenic, but additional data are needed to prove that conclusively. Therefore, this variant has been classified as Likely Pathogenic.

Literature cited by the submitters: PubMed 17458871; PubMed 22133300.